The following is an entry in ClinVar:

ClinVar aggregate classification (germline): Conflicting classifications of pathogenicity. Review status: criteria provided, conflicting classifications (1 of 4 stars). 17 submissions from 17 submitters: Uncertain significance (5); Benign (1); Likely benign (10). 1 of the submissions does not count toward it. Last evaluated 2026-03-05.

Conditions:
ATM-related disorder. Also called: ATM-related disorders; ATM-related condition.
Hereditary cancer-predisposing syndrome. Also called: Neoplastic Syndromes, Hereditary; Hereditary Cancer Syndrome; Tumor predisposition; Hereditary neoplastic syndrome. Identifiers: Orphanet 140162, MedGen C0027672, MeSH D009386, MONDO:0015356.
Familial cancer of breast. Also called: BREAST CANCER, FAMILIAL; hereditary breast carcinoma; Hereditary breast cancer. Identifiers: Orphanet 227535, MedGen C0346153, MONDO:0016419, OMIM 114480. Disease mechanism: loss of function.
Ataxia-telangiectasia syndrome (AT). Also called: Ataxia-telangiectasia, complementation group D; AT, COMPLEMENTATION GROUP C; Ataxia-telangiectasia; ATAXIA-TELANGIECTASIA, COMPLEMENTATION GROUP A; ATAXIA-TELANGIECTASIA, FRESNO VARIANT; Ataxia-telangiectasia, complementation group E. Identifiers: Orphanet 100, MedGen C0004135, MONDO:0008840, OMIM 208900.
Hereditary breast ovarian cancer syndrome. Also called: BRCA1- and BRCA2-Associated Hereditary Breast and Ovarian Cancer; Hereditary breast and ovarian cancer syndrome; Hereditary breast and ovarian cancer syndrome (HBOC); Hereditary breast and/or ovarian cancer syndrome; Hereditary breast and ovarian cancer; Breast and ovarian cancer. Identifiers: Orphanet 145, MedGen C0677776, MeSH D061325, MONDO:0003582. Disease mechanism: loss of function.
Malignant tumor of breast. Also called: Malignant breast neoplasm; Cancer breast. Identifiers: MedGen C0006142, MONDO:0007254. Disease mechanism: loss of function.

Allele frequency attached by ClinVar (database versions not stated): gnomAD exomes 0.00006 and 0.00015; gnomAD 0.00050 and 0.00056; ESP Exome Variant Server 0.00054; TOPMed 0.00062; 1000 Genomes Project 30x 0.00031; ExAC 0.00014; 1000 Genomes Project 0.00040.
gnomAD v4.1: 177 of 1,613,864 alleles (0.011%); highest among the groups gnomAD compares: African/African-American, 0.19%; no homozygotes.

Submissions 1 to 15 of 17:

PreventionGenetics, part of Exact Sciences
Classification: Likely benign for ATM-related condition. Last evaluated: 2026-03-05. Review status: criteria provided, single submitter. Criteria: ACMG Guidelines, 2015. Collection method: clinical testing. Allele origin: germline.
Comment: This variant is classified as likely benign based on ACMG/AMP sequence variant interpretation guidelines (Richards et al. 2015 PMID: 25741868, with internal and published modifications).

Labcorp Genetics (formerly Invitae), Labcorp
Classification: Likely benign for Ataxia-telangiectasia syndrome. Last evaluated: 2026-02-03. Review status: criteria provided, single submitter. Criteria: Invitae Variant Classification Sherloc (09022015). Collection method: clinical testing. Allele origin: germline.

CeGaT Center for Human Genetics Tuebingen
Classification: Likely benign. Last evaluated: 2025-09-01. Review status: criteria provided, single submitter. Criteria: CeGaT Center For Human Genetics Tuebingen Variant Classification Criteria Version 2. Collection method: clinical testing. Allele origin: germline. Affected: yes. Observed: 1 variant allele.
Comment: ATM: BS1

Quest Diagnostics Nichols Institute San Juan Capistrano
Classification: Likely benign. Last evaluated: 2025-04-12. Review status: criteria provided, single submitter. Criteria: Quest Diagnostics criteria. Collection method: clinical testing. Allele origin: unknown.

Color Diagnostics, LLC DBA Color Health
Classification: Likely benign for Hereditary cancer-predisposing syndrome. Last evaluated: 2024-09-19. Review status: criteria provided, single submitter. Criteria: ACMG Guidelines, 2015. Collection method: clinical testing. Allele origin: germline.

Women's Health and Genetics/Laboratory Corporation of America, LabCorp
Classification: Likely benign. Last evaluated: 2024-07-25. Review status: criteria provided, single submitter. Criteria: LabCorp Variant Classification Summary - May 2015. Collection method: clinical testing. Allele origin: germline.
Comment: Variant summary: ATM c.7313C>T (p.Thr2438Ile) results in a non-conservative amino acid change located in the PIK-related kinase, FAT domain (IPR003151) of the encoded protein sequence. Three of five in-silico tools predict a benign effect of the variant on protein function. The variant allele was found at a frequency of 0.00014 in 298578 control chromosomes, predominantly at a frequency of 0.002 within the African or African-American subpopulation in the gnomAD database. The observed variant frequency within African or African-American control individuals in the gnomAD database is approximately 2-fold of the estimated maximal expected allele frequency for a pathogenic variant in ATM causing Breast Cancer phenotype (0.001), strongly suggesting that the variant is a benign polymorphism found primarily in populations of African or African-American origin. c.7313C>T has been reported in the literature in sequencing studies of individuals with varied indications such as, an individual with Ataxia Telangiectasia (Li_2000), as not associated with risk of breast cancer in an array GWAS study of a multiethnic population (Haiman_2013), unaffected controls of African American and Japanese ancestry (Hirsch_2008, Momozawa_2018), a patient with a clinical indication of Lynch syndrome associated cancer and/or polyps undergoing multigene panel testing (Yurgelun_2015), and a patient with AML in the TGCA cohort (Lu_2015). Furthermore, the variant has been reported in a cerebellar ataxia patient (Coutelier_2018), breast cancer cases and controls (Weitzel_2019, Eygelaar_2022, Guindalini_2022), a patient with primary ovarian insufficiency (Franca_2020), in PDAC patients (Zimmermann_2021) and in Hepatic cancer cases and controls (Okawa_2023). These reports do not provide unequivocal conclusions about association of the variant with Breast Cancer or Ataxia Telangiectasia. Additionally, the variant was found to occur in ten African American women who are older than 70 years of age and cancer free as reported in the FLOSSIES database. To our knowledge, no experimental evidence demonstrating an impact on protein function has been reported. The following publications have been ascertained in the context of this evaluation (PMID: 29482223, 35039564, 33095795, 33309985, 35264596, 23555315, 17333338, 10817650, 26689913, 25503501, 30287823, 36243179, 21933854, 31206626, 33421217, 25980754, 33747920). ClinVar contains an entry for this variant (Variation ID: 127440). Based on the evidence outlined above, the variant was classified as likely benign.

Myriad Genetics, Inc.
Classification: Likely benign for Familial cancer of breast. Last evaluated: 2024-06-13. Review status: criteria provided, single submitter. Criteria: Myriad Autosomal Dominant, Autosomal Recessive and X-Linked Classification Criteria (2023). Collection method: clinical testing. Allele origin: unknown.
Comment: This variant is considered likely benign. This variant is strongly associated with less severe personal and family histories of cancer, typical for individuals without pathogenic variants in this gene [PMID: 25085752].

Blueprint Genetics
Classification: Uncertain significance. Last evaluated: 2023-10-25. Review status: criteria provided, single submitter. Criteria: ACMG Guidelines, 2015. Collection method: clinical testing. Allele origin: germline.

Mendelics
Classification: Benign for Ataxia-telangiectasia syndrome. Last evaluated: 2023-08-22. Review status: criteria provided, single submitter. Criteria: Mendelics Assertion Criteria 2019. Collection method: clinical testing. Allele origin: germline.

National Health Laboratory Service, Universitas Academic Hospital and University of the Free State
Classification: Likely benign for Hereditary breast ovarian cancer syndrome. Last evaluated: 2022-04-19. Review status: criteria provided, single submitter. Criteria: ACMG Guidelines, 2015. Collection method: clinical testing. Allele origin: germline. Affected: yes. Observed: 1 variant allele.

Sema4
Classification: Uncertain significance for Hereditary cancer-predisposing syndrome. Last evaluated: 2022-01-11. Review status: criteria provided, single submitter. Criteria: Sema4 Curation Guidelines. Collection method: curation. Allele origin: germline.
Comment: The ATM c.7313C>T (p.T2438I) variant has been reported in heterozygosity in at least one individual with acute myeloid leukemia (PMID: 26689913). This variant has also been reported in at least one individual with ataxia telangiectasia, in one individual with primary ovarian insufficiency and in at least one individual undergoing Lynch syndrome testing (PMID: 10817650, 33095795, 25980754). It was observed in 50/24936 chromosomes, including 0 homozygotes, in the African/African American subpopulation in the large and broad cohorts of the Genome Aggregation Database (PMID: 32461654). This variant has been reported in ClinVar (Variation ID: 127440). In silico tools suggest the impact of the variant on protein function is inconclusive, though these predictions have not been confirmed by functional studies. The evidence is insufficient to meet ACMG/AMP criteria for classifying the variant as benign or pathogenic. Thus, the clinical significance of this variant is currently uncertain.

GeneDx
Classification: Likely benign. Last evaluated: 2021-03-17. Review status: criteria provided, single submitter. Criteria: GeneDx Variant Classification Process June 2021. Collection method: clinical testing. Allele origin: germline. Affected: yes.
Comment: This variant is associated with the following publications: (PMID: 17333338, 23274167, 33309985, 22529920, 8808599, 25503501, 10817650, 25980754, 19781682, 28779002, 23555315, 21933854, 30287823, 33095795)

Ambry Genetics
Classification: Likely benign for Hereditary cancer-predisposing syndrome. Last evaluated: 2019-02-11. Review status: criteria provided, single submitter. Criteria: Ambry Variant Classification Scheme 2023. Collection method: clinical testing. Allele origin: germline.

Eurofins Ntd Llc (ga)
Classification: Uncertain significance. Last evaluated: 2018-06-05. Review status: criteria provided, single submitter. Criteria: EGL ClinVar v180209 classification definitions. Collection method: clinical testing. Allele origin: germline. Observed: 1 variant allele, 1 heterozygote.

Fulgent Genetics
Classification: Uncertain significance for Familial cancer of breast; Ataxia-telangiectasia syndrome. Last evaluated: 2017-05-23. Review status: criteria provided, single submitter. Criteria: ACMG Guidelines, 2015. Collection method: clinical testing. Allele origin: unknown.

NM_000051.4(ATM):c.7313C>T (p.Thr2438Ile)

Genes: C11orf65 (chromosome 11 open reading frame 65; minus strand), ATM (ATM serine/threonine kinase; plus strand). Cytogenetic location: 11q22.3.
Variant type: single nucleotide variant.
Coding change: c.7313C>T on transcript NM_000051.4 (MANE Select); coding-DNA position 7313, C replaced by T.
Protein change: p.Thr2438Ile; replaces threonine 2438 with isoleucine.
Molecular consequence: missense variant. On other transcripts: intron variant (2).
Genome position (GRCh38, 1-based): chr11:108,330,219, C>T. VCF-style: chr11-108330219-C-T. GRCh37 (hg19) VCF-style: chr11-108200946-C-T.
Other names: p.T2438I:ACA>ATA; NP_000042.3:p.Thr2438Ile; c.7313C>T, p.Thr2438Ile (NM_001351834.2); c.641-21148G>A (NM_001330368.2); c.*38+5001G>A (NM_001351110.2); short protein forms T2438I.
Identifiers: ClinVar variation 127440 (VCV000127440.46), dbSNP rs147604227, ClinGen allele CA286975.